The following is an entry in ClinVar:

ClinVar aggregate classification (germline): Pathogenic (1 of 4 stars; one submission).

Conditions:
Mowat-Wilson syndrome (MOWS). Also called: Classic Mowat-Wilson Syndrome. Identifiers: Orphanet 2152, MedGen C1856113, MONDO:0009341, OMIM 235730.

Submission:

GeneDx
Classification: Pathogenic for Mowat-Wilson Syndrome: Autosomal dominant inheritence. Last evaluated: 2014-09-18. Review status: criteria provided, single submitter. Criteria: GeneDx Variant Classification (06012015). Collection method: clinical testing. Allele origin: germline. Affected: yes.
Comment: This mutation is denoted c.3073delA at the cDNA level and at the protein level is p.Arg1025AspfsX50; it is in exon 10 in the ZEB2 gene (NM_014795.3). The normal sequence with the base that is deleted in braces is: GAAAA{A}GACC. This c.3073delA mutation in the ZEB2 gene has not been reported previously as a disease-causing mutation nor as a benign polymorphism, to our knowledge. The c.3073delA mutation causes a frameshift starting with codon Arginine 1025, changes this amino acid to an Aspartic Acid residue and creates a premature Stop codon at position 50 of the new reading frame, denoted p.Arg1025AspfsX50. This mutation is predicted to cause loss of normal protein function through protein truncation. The c.3073delA mutation was not observed in approximately 6,500 individuals of European and African American ancestry in the NHLBI Exome Sequencing Project, indicating it is not a common benign variant in these populations. We interpret c.3073delA as a disease-causing mutation associated with Mowat-Wilson syndrome, an autosomal dominant disorder. This variant has been observed de novo with confirmed parentage. The variant is found in ZEB2 panel(s).

NM_014795.4(ZEB2):c.3073del (p.Arg1025fs)

Gene: ZEB2 (zinc finger E-box binding homeobox 2; minus strand). Cytogenetic location: 2q22.3.
Variant type: Deletion.
Coding change: c.3073del on transcript NM_014795.4 (MANE Select); coding-DNA position 3073, one base deleted (A; older notation c.3073delA).
Protein change: p.Arg1025fs; shifts the reading frame from arginine 1025.
Molecular consequence: frameshift variant.
Genome position (GRCh38, 1-based): chr2:144,390,023, T deleted on the plus strand (A on the coding strand, the reverse complement: ZEB2 is on the minus strand); the first of 5 consecutive T bases (chr2:144,390,023-144,390,027); deleting any one gives the same sequence. VCF-style (leftmost placement, unchanged base first): chr2-144390022-CT-C. GRCh37 (hg19) VCF-style: chr2-145147589-CT-C.
Other names: c.3001del, p.Arg1001fs (NM_001171653.2); short protein forms R1001fs, R1025fs.
Identifiers: ClinVar variation 181762 (VCV000181762.1), dbSNP rs730881217, ClinGen allele CA297643.